The following is an entry in ClinVar:

ClinVar aggregate classification (germline): Pathogenic (1 of 4 stars; one submission).

Submission:

Labcorp Genetics (formerly Invitae), Labcorp
Classification: Pathogenic. Last evaluated: 2022-04-10. Review status: criteria provided, single submitter. Criteria: Invitae Variant Classification Sherloc (09022015). Collection method: clinical testing. Allele origin: germline.
Comment: For these reasons, this variant has been classified as Pathogenic. This variant has not been reported in the literature in individuals affected with ACBD5-related conditions. This variant is not present in population databases (gnomAD no frequency). This sequence change creates a premature translational stop signal (p.Leu4Serfs*16) in the ACBD5 gene. It is expected to result in an absent or disrupted protein product. Loss-of-function variants in ACBD5 are known to be pathogenic (PMID: 23105016, 27799409).

Literature cited by the submitters: PubMed 23105016; PubMed 27799409.

NM_145698.5(ACBD5):c.10del (p.Leu4fs)

Gene: ACBD5 (acyl-CoA binding domain containing 5; minus strand). Cytogenetic location: 10p12.1.
Variant type: Deletion.
Coding change: c.10del on transcript NM_145698.5 (MANE Select); coding-DNA position 10, one base deleted (C; older notation c.10delC).
Protein change: p.Leu4fs; shifts the reading frame from leucine 4.
Molecular consequence: frameshift variant. On other transcripts: 5 prime UTR variant (7), intron variant (11).
Genome position (GRCh38, 1-based): chr10:27,240,679, G deleted on the plus strand (C on the coding strand, the reverse complement: ACBD5 is on the minus strand); the first of 2 consecutive G bases (chr10:27,240,679-27,240,680); deleting either gives the same sequence. VCF-style (leftmost placement, unchanged base first): chr10-27240678-AG-A. GRCh37 (hg19) VCF-style: chr10-27529607-AG-A.
Other names: c.-186del (NM_001271512.3, NM_001352571.1, NM_001352586.1 and 1 more transcripts); c.41del, p.Pro14fs (NM_001352568.1, NM_001352572.1); c.10del, p.Leu4fs (NM_001352569.1, NM_001352570.1, NM_001352573.1 and 2 more transcripts); c.-187del (NM_001352583.1, NM_001352585.1); c.-197del (NM_001352584.1); c.-181-205del (NM_001301253.2); c.-80-205del (NM_001352580.2, NM_001352577.2, NM_001352575.2); c.-191-195del (NM_001301251.2); and 1 more; short protein forms L4fs, P14fs.
Identifiers: ClinVar variation 2124271 (VCV002124271.4), dbSNP rs2541724555, ClinGen allele CA2580081430.
Genomic context (GRCh38, chr10:27,240,678, plus strand): 5'-CCCGGGGCGTGACTAAGGCCACGAATCCGGCCCGCGACGACAGCAAAACAACTCACCGAG[AG>A]GAAGAGCATGTCTAGCAGAAGACAGAGGGGGTCCGGGCATCGGTGGCCGCGGAGCCGCTC-3'